The following is an entry in ClinVar:

ClinVar aggregate classification (germline): Benign/Likely benign. Review status: criteria provided, multiple submitters, no conflicts (2 of 4 stars). 7 submissions from 7 submitters: Benign (1); Likely benign (4). 2 of the submissions do not count toward it. Last evaluated 2026-01-26.

Conditions:
Hereditary cancer-predisposing syndrome. Also called: Tumor predisposition; Hereditary neoplastic syndrome; Neoplastic Syndromes, Hereditary; Hereditary Cancer Syndrome. Identifiers: Orphanet 140162, MedGen C0027672, MeSH D009386, MONDO:0015356.
Breast-ovarian cancer, familial, susceptibility to, 4. Identifiers: Orphanet 145, MedGen C3280345, MONDO:0013669, OMIM 614291.
Malignant tumor of breast. Also called: Malignant breast neoplasm; Cancer breast. Identifiers: MedGen C0006142, MONDO:0007254. Disease mechanism: loss of function.

Allele frequency attached by ClinVar (database versions not stated): gnomAD 0.00001; gnomAD exomes 0.00001 and 0.00004; TOPMed 0.00001.
gnomAD v4.1: 61 of 1,612,814 alleles (0.0038%); highest among the groups gnomAD compares: Non-Finnish European, 0.0051%; no homozygotes.

Submissions (7):

Labcorp Genetics (formerly Invitae), Labcorp
Classification: Likely benign for Breast-ovarian cancer, familial, susceptibility to, 4. Last evaluated: 2026-01-26. Review status: criteria provided, single submitter. Criteria: Invitae Variant Classification Sherloc (09022015). Collection method: clinical testing. Allele origin: germline.

Myriad Genetics, Inc.
Classification: Likely benign for Breast-ovarian cancer, familial, susceptibility to, 4. Last evaluated: 2023-04-06. Review status: criteria provided, single submitter. Criteria: Myriad Autosomal Dominant, Autosomal Recessive and X-Linked Classification Criteria (2023). Collection method: clinical testing. Allele origin: unknown.
Comment: This variant is considered likely benign. This variant is intronic and is not expected to impact mRNA splicing.

Sema4
Classification: Likely benign for Hereditary cancer-predisposing syndrome. Last evaluated: 2022-02-02. Review status: criteria provided, single submitter. Criteria: Sema4 Curation Guidelines. Collection method: curation. Allele origin: germline.

Color Diagnostics, LLC DBA Color Health
Classification: Likely benign for Hereditary cancer-predisposing syndrome. Last evaluated: 2016-05-10. Review status: criteria provided, single submitter. Criteria: ACMG Guidelines, 2015. Collection method: clinical testing. Allele origin: germline.

GeneDx
Classification: Benign. Last evaluated: 2015-04-27. Review status: criteria provided, single submitter. Criteria: GeneDx Variant Classification Process June 2021. Collection method: clinical testing. Allele origin: germline. Affected: yes.

Counsyl
Classification: Likely benign for Breast-ovarian cancer, familial, susceptibility to, 4. Last evaluated: 2016-09-23. Review status: no assertion criteria provided. Collection method: clinical testing. Allele origin: unknown. Not counted in ClinVar's aggregate classification.

Department of Pathology and Laboratory Medicine, Sinai Health System
Classification: Likely benign for Malignant tumor of breast. Review status: no assertion criteria provided. Collection method: clinical testing. Allele origin: unknown. Affected: yes. Study: The Canadian Open Genetics Repository (COGR). Not counted in ClinVar's aggregate classification.
Comment: The RAD51D c.739-10T>C variant was not identified in the literature. The variant was identified in dbSNP (ID: rs199998187) as "With Likely benign allele" and in ClinVar (classified as likely benign by Invitae, Counsyl and Color). The variant was identified in control databases in 3 of 245148 chromosomes at a frequency of 0.00001 (Genome Aggregation Database Feb 27, 2017). The variant was observed in the European population in 3 of 111634 chromosomes (freq: 0.00003), but was not observed in the African, Other, Latino, Ashkenazi Jewish, East Asian, Finnish, or South Asian populations. The c.739-10T>C variant is located in the 3' splice region but does not affect the invariant -1 and -2 positions, although positions -3 and -5 to -12 are part of the splicing consensus sequence and variants involving these positions sometimes affect splicing. However, in silico or computational prediction software programs (SpliceSiteFinder, MaxEntScan, NNSPLICE, GeneSplicer) do not predict a difference in splicing. In summary, based on the above information, the clinical significance of this variant cannot be determined with certainty at this time although we would lean towards a more benign role for this variant. This variant is classified as likely benign.

NM_002878.4(RAD51D):c.739-10T>C

Genes: RAD51L3-RFFL (RAD51L3-RFFL readthrough; minus strand), RAD51D (RAD51 paralog D; minus strand). Cytogenetic location: 17q12.
Variant type: single nucleotide variant.
Coding change: c.739-10T>C on transcript NM_002878.4 (MANE Select); 10 bases into the intron before coding-DNA position 739, T replaced by C.
Molecular consequence: intron variant.
Genome position (GRCh38, 1-based): chr17:35,101,375, A>G on the plus strand (T>C on the coding strand, the complement: RAD51D is on the minus strand). VCF-style: chr17-35101375-A-G. GRCh37 (hg19) VCF-style: chr17-33428394-A-G.
Other names: c.403-10T>C (NM_133629.3); c.799-10T>C (NM_001142571.2).
Identifiers: ClinVar variation 371977 (VCV000371977.20), dbSNP rs199998187, ClinGen allele CA16042158.